The following is an entry in ClinVar:

NM_018263.6(ASXL2):c.1477C>G (p.Pro493Ala)

Gene: ASXL2 (ASXL transcriptional regulator 2; minus strand). Cytogenetic location: 2p23.3.
Variant type: single nucleotide variant.
Coding change: c.1477C>G on transcript NM_018263.6 (MANE Select); coding-DNA position 1477, C replaced by G.
Protein change: p.Pro493Ala; replaces proline 493 with alanine.
Molecular consequence: missense variant.
Genome position (GRCh38, 1-based): chr2:25,750,079, G>C on the plus strand (C>G on the coding strand, the complement: ASXL2 is on the minus strand). VCF-style: chr2-25750079-G-C. GRCh37 (hg19) VCF-style: chr2-25972948-G-C.
Other names: c.1303C>G, p.Pro435Ala (NM_001369346.1); c.697C>G, p.Pro233Ala (NM_001369347.1); short protein forms P493A, P233A, P435A.
Identifiers: ClinVar variation 4589553 (VCV004589553.2).

ClinVar aggregate classification (germline): Uncertain significance. Review status: criteria provided, multiple submitters, no conflicts (2 of 4 stars). 2 submissions from 2 submitters: Uncertain significance (2). Last evaluated 2025-12-14.

Conditions:
ASXL2-related disorder. Also called: ASXL2-related condition.
Inborn genetic diseases. Identifiers: MedGen C0950123, MeSH D030342.

Submissions (2):

PreventionGenetics, part of Exact Sciences
Classification: Uncertain significance for ASXL2-related condition. Last evaluated: 2025-12-14. Review status: criteria provided, single submitter. Criteria: ACMG Guidelines, 2015. Collection method: clinical testing. Allele origin: germline.
Comment: The ASXL2 c.1477C>G variant is predicted to result in the amino acid substitution p.Pro493Ala. To our knowledge, this variant has not been reported in the literature or in a large population database (gnomAD), indicating this variant is rare. At this time, the clinical significance of this variant is uncertain due to the absence of conclusive functional and genetic evidence.

Ambry Genetics
Classification: Uncertain significance for Inborn genetic diseases. Last evaluated: 2025-11-26. Review status: criteria provided, single submitter. Criteria: Ambry Variant Classification Scheme 2023. Collection method: clinical testing. Allele origin: germline.